The following is an entry in ClinVar:

ClinVar aggregate classification (germline): Uncertain significance. Review status: criteria provided, multiple submitters, no conflicts (2 of 4 stars). 2 submissions from 2 submitters: Uncertain significance (2). Last evaluated 2025-09-28.

Conditions:
Primary ciliary dyskinesia 6. Also called: Primary Ciliary Dyskinesia 6: TXNDC3-Related Primary Ciliary Dyskinesia. Identifiers: Orphanet 244, MedGen C1970506, MONDO:0012571, OMIM 610852.

Allele frequency attached by ClinVar (database versions not stated): gnomAD exomes 0.00003 and 0.00009; ExAC 0.00013; TOPMed 0.00026; gnomAD 0.00029 and 0.00032; 1000 Genomes Project 0.00060; ESP Exome Variant Server 0.00062; 1000 Genomes Project 30x 0.00078.
gnomAD v4.1: 93 of 1,613,544 alleles (0.0058%); highest among the groups gnomAD compares: African/African-American, 0.11%; no homozygotes.

Submissions (2):

Labcorp Genetics (formerly Invitae), Labcorp
Classification: Uncertain significance for Primary ciliary dyskinesia 6. Last evaluated: 2025-09-28. Review status: criteria provided, single submitter. Criteria: Invitae Variant Classification Sherloc (09022015). Collection method: clinical testing. Allele origin: germline.
Comment: This sequence change replaces aspartic acid, which is acidic and polar, with asparagine, which is neutral and polar, at codon 115 of the NME8 protein (p.Asp115Asn). This variant is present in population databases (rs143447596, gnomAD 0.1%), and has an allele count higher than expected for a pathogenic variant. This variant has not been reported in the literature in individuals affected with NME8-related conditions. ClinVar contains an entry for this variant (Variation ID: 569004). Invitae Evidence Modeling of protein sequence and biophysical properties (such as structural, functional, and spatial information, amino acid conservation, physicochemical variation, residue mobility, and thermodynamic stability) indicates that this missense variant is not expected to disrupt NME8 protein function with a negative predictive value of 80%. In summary, the available evidence is currently insufficient to determine the role of this variant in disease. Therefore, it has been classified as a Variant of Uncertain Significance.

Blueprint Genetics
Classification: Uncertain significance. Last evaluated: 2020-11-27. Review status: criteria provided, single submitter. Criteria: ACMG Guidelines, 2015. Collection method: clinical testing. Allele origin: germline.

NM_016616.5(NME8):c.343G>A (p.Asp115Asn)

Gene: NME8 (NME/NM23 family member 8; plus strand). Cytogenetic location: 7p14.1.
Variant type: single nucleotide variant.
Coding change: c.343G>A on transcript NM_016616.5 (MANE Select); coding-DNA position 343, G replaced by A.
Protein change: p.Asp115Asn; replaces aspartic acid 115 with asparagine.
Molecular consequence: missense variant.
Genome position (GRCh38, 1-based): chr7:37,862,100, G>A. VCF-style: chr7-37862100-G-A. GRCh37 (hg19) VCF-style: chr7-37901702-G-A.
Other names: short protein forms D115N.
Identifiers: ClinVar variation 569004 (VCV000569004.10), dbSNP rs143447596, ClinGen allele CA4222151.